The following is an entry in ClinVar:

ClinVar aggregate classification (germline): Conflicting classifications of pathogenicity. Review status: criteria provided, conflicting classifications (1 of 4 stars). 3 submissions from 3 submitters: Uncertain significance (2); Likely benign (1). Last evaluated 2025-12-01.

Conditions:
Cardiovascular phenotype. Identifiers: MedGen CN230736.
Hereditary cancer-predisposing syndrome. Also called: Hereditary Cancer Syndrome; Hereditary neoplastic syndrome; Neoplastic Syndromes, Hereditary; Tumor predisposition. Identifiers: Orphanet 140162, MedGen C0027672, MeSH D009386, MONDO:0015356.

gnomAD v4.1: 28 of 1,613,742 alleles (0.0017%); highest among the groups gnomAD compares: Non-Finnish European, 0.0023%; no homozygotes.

Submissions (3):

Labcorp Genetics (formerly Invitae), Labcorp
Classification: Uncertain significance. Last evaluated: 2025-12-01. Review status: criteria provided, single submitter. Criteria: Invitae Variant Classification Sherloc (09022015). Collection method: clinical testing. Allele origin: germline.
Comment: This sequence change replaces glutamic acid, which is acidic and polar, with lysine, which is basic and polar, at codon 702 of the LZTR1 protein (p.Glu702Lys). This variant is present in population databases (rs199765826, gnomAD 0.0009%). This variant has not been reported in the literature in individuals affected with LZTR1-related conditions. ClinVar contains an entry for this variant (Variation ID: 1785961). Invitae Evidence Modeling of protein sequence and biophysical properties (such as structural, functional, and spatial information, amino acid conservation, physicochemical variation, residue mobility, and thermodynamic stability) indicates that this missense variant is not expected to disrupt LZTR1 protein function with a negative predictive value of 80%. In summary, the available evidence is currently insufficient to determine the role of this variant in disease. Therefore, it has been classified as a Variant of Uncertain Significance.

Ambry Genetics
Classification: Uncertain significance for Cardiovascular phenotype; Hereditary cancer-predisposing syndrome. Last evaluated: 2025-02-15. Review status: criteria provided, single submitter. Criteria: Ambry Variant Classification Scheme 2023. Collection method: clinical testing. Allele origin: germline.
Comment: The p.E702K variant (also known as c.2104G>A), located in coding exon 18 of the LZTR1 gene, results from a G to A substitution at nucleotide position 2104. The glutamic acid at codon 702 is replaced by lysine, an amino acid with similar properties. This amino acid position is well conserved in available vertebrate species. In addition, this alteration is predicted to be deleterious by in silico analysis. Since supporting evidence is limited at this time, the clinical significance of this alteration remains unclear.

Blueprint Genetics
Classification: Likely benign. Last evaluated: 2024-04-29. Review status: criteria provided, single submitter. Criteria: ACMG Guidelines, 2015. Collection method: clinical testing. Allele origin: germline.

NM_006767.4(LZTR1):c.2104G>A (p.Glu702Lys)

Gene: LZTR1 (leucine zipper like post translational regulator 1; plus strand). Cytogenetic location: 22q11.21.
Variant type: single nucleotide variant.
Coding change: c.2104G>A on transcript NM_006767.4 (MANE Select); coding-DNA position 2104, G replaced by A.
Protein change: p.Glu702Lys; replaces glutamic acid 702 with lysine.
Molecular consequence: missense variant.
Genome position (GRCh38, 1-based): chr22:20,995,997, G>A. VCF-style: chr22-20995997-G-A. GRCh37 (hg19) VCF-style: chr22-21350286-G-A.
Other names: short protein forms E702K.
Identifiers: ClinVar variation 1785961 (VCV001785961.10), dbSNP rs199765826, ClinGen allele CA322271258.
Genomic context (GRCh38, chr22:20,995,997, plus strand): 5'-AGGTGCCTACCGCTCGTTGTCTGCAGCTACTTTGAAGCCATGTTCCGGTCCTTCATGCCC[G>A]AAGATGGGCAGGTGAACATCTCCATCGGGGAGATGGTGCCCAGCAGGCAGGCCTTCGAGT-3'
Protein context (NP_006758.2, residues 692-712): FEAMFRSFMP[Glu702Lys]DGQVNISIGE